The following is an entry in ClinVar:

ClinVar aggregate classification (germline): Conflicting classifications of pathogenicity. Review status: criteria provided, conflicting classifications (1 of 4 stars). 2 submissions from 2 submitters: Uncertain significance (1); Likely benign (1). Last evaluated 2022-05-01.

Conditions:
Ehlers-Danlos syndrome (EDS). Identifiers: Orphanet 98249, MedGen C0013720, MONDO:0020066.

Allele frequency attached by ClinVar (database versions not stated): TOPMed 0.00007; ExAC 0.00002; gnomAD exomes 0.00002 and 0.00006; gnomAD 0.00004.
gnomAD v4.1: 98 of 1,612,672 alleles (0.0061%); highest among the groups gnomAD compares: Non-Finnish European, 0.0075%; no homozygotes.

Submissions (2):

CeGaT Center for Human Genetics Tuebingen
Classification: Likely benign. Last evaluated: 2022-05-01. Review status: criteria provided, single submitter. Criteria: CeGaT Center For Human Genetics Tuebingen Variant Classification Criteria Version 2. Collection method: clinical testing. Allele origin: germline. Affected: yes. Observed: 1 variant allele.
Comment: TNXB: BP4, BP7

Genome Diagnostics Laboratory, The Hospital for Sick Children
Classification: Uncertain significance for Ehlers-Danlos syndrome. Last evaluated: 2019-04-01. Review status: criteria provided, single submitter. Criteria: ACMG Guidelines, 2015. Collection method: clinical testing. Allele origin: germline.

NM_001365276.2(TNXB):c.12168G>C (p.Leu4056=)

Genes: TNXB (tenascin XB; minus strand), LOC106780803 (tenascin XB recombination region; plus strand). Cytogenetic location: 6p21.33.
Variant type: single nucleotide variant.
Coding change: c.12168G>C on transcript NM_001365276.2 (MANE Select); coding-DNA position 12168, G replaced by C.
Protein change: p.Leu4056=; no amino-acid change (leucine 4056 retained).
Molecular consequence: synonymous variant.
Genome position (GRCh38, 1-based): chr6:32,042,497, C>G on the plus strand (G>C on the coding strand, the complement: TNXB is on the minus strand). VCF-style: chr6-32042497-C-G. GRCh37 (hg19) VCF-style: chr6-32010274-C-G.
Other names: c.12162G>C, p.Leu4054= (NM_019105.8); c.1455G>C, p.Leu485= (NM_032470.4).
Identifiers: ClinVar variation 1702306 (VCV001702306.27), dbSNP rs767740137, ClinGen allele CA3732861.